The following is an entry in ClinVar:

ClinVar aggregate classification (germline): Likely benign. Review status: criteria provided, multiple submitters, no conflicts (2 of 4 stars). 2 submissions from 2 submitters: Likely benign (2). Last evaluated 2025-12-28.

Allele frequency attached by ClinVar (database versions not stated): gnomAD exomes 0.00001; gnomAD 0.00003; ExAC 0.00006; ESP Exome Variant Server 0.00008.

Submissions (2):

Labcorp Genetics (formerly Invitae), Labcorp
Classification: Likely benign. Last evaluated: 2025-12-28. Review status: criteria provided, single submitter. Criteria: Invitae Variant Classification Sherloc (09022015). Collection method: clinical testing. Allele origin: germline.

CeGaT Center for Human Genetics Tuebingen
Classification: Likely benign. Last evaluated: 2025-10-01. Review status: criteria provided, single submitter. Criteria: CeGaT Center For Human Genetics Tuebingen Variant Classification Criteria Version 2. Collection method: clinical testing. Allele origin: germline. Affected: yes. Observed: 1 variant allele.
Comment: BRD4: BP4, BP7

NM_001379291.1(BRD4):c.2829G>A (p.Pro943=)

Gene: BRD4 (bromodomain containing 4; minus strand). Cytogenetic location: 19p13.12.
Variant type: single nucleotide variant.
Coding change: c.2829G>A on transcript NM_001379291.1 (MANE Select); coding-DNA position 2829, G replaced by A.
Protein change: p.Pro943=; no amino-acid change (proline 943 retained).
Molecular consequence: synonymous variant.
Genome position (GRCh38, 1-based): chr19:15,243,240, C>T on the plus strand (G>A on the coding strand, the complement: BRD4 is on the minus strand). VCF-style: chr19-15243240-C-T. GRCh37 (hg19) VCF-style: chr19-15354051-C-T.
Other names: c.2829G>A, p.Pro943= (NM_058243.3).
Identifiers: ClinVar variation 2180195 (VCV002180195.10), dbSNP rs371213651, ClinGen allele CA9264862.